The following is an entry in ClinVar:

ClinVar aggregate classification (germline): Benign. Review status: criteria provided, multiple submitters, no conflicts (2 of 4 stars). 3 submissions from 3 submitters: Benign (3). Last evaluated 2021-07-01.

Conditions:
Familial dysautonomia. Also called: HSAN III; FD. Identifiers: Orphanet 1764, MedGen C0013364, MONDO:0009131, OMIM 223900. Disease mechanism: loss of function.

Allele frequency attached by ClinVar (database versions not stated): 1000 Genomes Project 30x 0.19519; 1000 Genomes Project 0.19788; TOPMed 0.21509; gnomAD 0.21723 and 0.21995.
gnomAD v4.1: 294,350 of 1,102,228 alleles (27%); highest among the groups gnomAD compares: Admixed American, 30%; 41,555 homozygotes.

Submissions (8):

Genome-Nilou Lab
Classification: Benign for Familial dysautonomia. Last evaluated: 2021-07-01. Review status: criteria provided, single submitter. Criteria: ACMG Guidelines, 2015. Collection method: clinical testing. Allele origin: germline. Affected: no.

GeneDx
Classification: Benign. Last evaluated: 2018-06-16. Review status: criteria provided, single submitter. Criteria: GeneDx Variant Classification (06012015). Collection method: clinical testing. Allele origin: germline. Affected: yes.
Comment: This variant is considered likely benign or benign based on one or more of the following criteria: it is a conservative change, it occurs at a poorly conserved position in the protein, it is predicted to be benign by multiple in silico algorithms, and/or has population frequency not consistent with disease.

Breakthrough Genomics
Classification: Benign. Review status: criteria provided, single submitter. Criteria: ACMG Guidelines, 2015. Collection method: not provided. Allele origin: germline. Inheritance: Autosomal recessive inheritance. Affected: yes.

Dr. Peter K. Rogan Lab, Western University
No classification provided (evidence only). Condition: Hepatocellular carcinoma. Review status: no classification provided. Collection method: in vitro. Allele origin: not applicable. Functional consequence: retained intron. Not counted in ClinVar's aggregate classification.

Dr. Peter K. Rogan Lab, Western University
No classification provided (evidence only). Condition: Germ cell tumor of testis. Review status: no classification provided. Collection method: in vitro. Allele origin: not applicable. Functional consequence: retained intron. Not counted in ClinVar's aggregate classification.

Dr. Peter K. Rogan Lab, Western University
No classification provided (evidence only). Condition: Uterine carcinosarcoma. Review status: no classification provided. Collection method: in vitro. Allele origin: not applicable. Functional consequence: retained intron. Not counted in ClinVar's aggregate classification.

Dr. Peter K. Rogan Lab, Western University
No classification provided (evidence only). Condition: Uterine carcinosarcoma. Review status: no classification provided. Collection method: in vitro. Allele origin: not applicable. Functional consequence: retained intron. Not counted in ClinVar's aggregate classification.

Dr. Peter K. Rogan Lab, Western University
No classification provided (evidence only). Condition: Uveal melanoma. Review status: no classification provided. Collection method: in vitro. Allele origin: not applicable. Functional consequence: retained intron. Not counted in ClinVar's aggregate classification.

NM_003640.5(ELP1):c.1460+72A>G

Gene: ELP1 (elongator acetyltransferase complex subunit 1; minus strand). Cytogenetic location: 9q31.3.
Variant type: single nucleotide variant.
Coding change: c.1460+72A>G on transcript NM_003640.5 (MANE Select); 72 bases into the intron after coding-DNA position 1460, A replaced by G.
Molecular consequence: intron variant.
Genome position (GRCh38, 1-based): chr9:108,908,233, T>C on the plus strand (A>G on the coding strand, the complement: ELP1 is on the minus strand). VCF-style: chr9-108908233-T-C. GRCh37 (hg19) VCF-style: chr9-111670513-T-C.
Other names: NC_000009.11:g.111670513T>C; c.1118+72A>G (NM_001318360.2); c.413+72A>G (NM_001330749.2).
Identifiers: ClinVar variation 681919 (VCV000681919.6), dbSNP rs2304779, ClinGen allele CA13036356.